The following is an entry in ClinVar:

NM_144670.6(A2ML1):c.1703C>T (p.Pro568Leu)

Gene: A2ML1 (alpha-2-macroglobulin like 1; plus strand). Cytogenetic location: 12p13.31.
Variant type: single nucleotide variant.
Coding change: c.1703C>T on transcript NM_144670.6 (MANE Select); coding-DNA position 1703, C replaced by T.
Protein change: p.Pro568Leu; replaces proline 568 with leucine.
Molecular consequence: missense variant.
Genome position (GRCh38, 1-based): chr12:8,847,568, C>T. VCF-style: chr12-8847568-C-T. GRCh37 (hg19) VCF-style: chr12-9000164-C-T.
Other names: c.230C>T, p.Pro77Leu (NM_001282424.3); short protein forms P568L, P77L.
Identifiers: ClinVar variation 2449319 (VCV002449319.4), dbSNP rs377555263, ClinGen allele CA6435789.

ClinVar aggregate classification (germline): Uncertain significance. Review status: criteria provided, multiple submitters, no conflicts (2 of 4 stars). 2 submissions from 2 submitters: Uncertain significance (2). Last evaluated 2024-07-17.

Allele frequency attached by ClinVar (database versions not stated): ESP Exome Variant Server 0.00008.
gnomAD v4.1: 3 of 1,611,940 alleles (0.00019%); highest among the groups gnomAD compares: East Asian, 0.0022%; no homozygotes.

Submissions (2):

Labcorp Genetics (formerly Invitae), Labcorp
Classification: Uncertain significance. Last evaluated: 2024-07-17. Review status: criteria provided, single submitter. Criteria: Invitae Variant Classification Sherloc (09022015). Collection method: clinical testing. Allele origin: germline.
Comment: This sequence change replaces proline, which is neutral and non-polar, with leucine, which is neutral and non-polar, at codon 568 of the A2ML1 protein (p.Pro568Leu). This variant is not present in population databases (gnomAD no frequency). This variant has not been reported in the literature in individuals affected with A2ML1-related conditions. ClinVar contains an entry for this variant (Variation ID: 2449319). An algorithm developed to predict the effect of missense changes on protein structure and function outputs the following: PolyPhen-2: "Possibly Damaging". The leucine amino acid residue is found in multiple mammalian species, which suggests that this missense change does not adversely affect protein function. In summary, the available evidence is currently insufficient to determine the role of this variant in disease. Therefore, it has been classified as a Variant of Uncertain Significance.

Ambry Genetics
Classification: Uncertain significance. Last evaluated: 2023-05-09. Review status: criteria provided, single submitter. Criteria: Ambry Variant Classification Scheme 2023. Collection method: clinical testing. Allele origin: germline.